The following is an entry in ClinVar:

ClinVar aggregate classification (germline): Uncertain significance (1 of 4 stars; one submission).

Conditions:
GLI2-related disorder. Also called: GLI2-related condition; GLI2-related disorders.

Submission:

PreventionGenetics, part of Exact Sciences
Classification: Uncertain significance for GLI2-related condition. Last evaluated: 2025-01-24. Review status: criteria provided, single submitter. Criteria: ACMG Guidelines, 2015. Collection method: clinical testing. Allele origin: germline.
Comment: The GLI2 c.2065G>A variant is predicted to result in the amino acid substitution p.Gly689Arg. To our knowledge, this variant has not been reported in the literature. This variant is reported in 0.012% of alleles in individuals of African descent in gnomAD. Although we suspect that this variant may be benign, at this time, the clinical significance of this variant is uncertain due to the absence of conclusive functional and genetic evidence.

NM_001374353.1(GLI2):c.2014G>A (p.Gly672Arg)

Gene: GLI2 (GLI family zinc finger 2; plus strand). Cytogenetic location: 2q14.2.
Variant type: single nucleotide variant.
Coding change: c.2014G>A on transcript NM_001374353.1 (MANE Select); coding-DNA position 2014, G replaced by A.
Protein change: p.Gly672Arg; replaces glycine 672 with arginine.
Molecular consequence: missense variant.
Genome position (GRCh38, 1-based): chr2:120,986,386, G>A. VCF-style: chr2-120986386-G-A. GRCh37 (hg19) VCF-style: chr2-121743962-G-A.
Other names: c.2065G>A, p.Gly689Arg (NM_001371271.1, NM_005270.5); c.1639G>A, p.Gly547Arg (NM_001374354.1); short protein forms G689R, G672R, G547R.
Identifiers: ClinVar variation 4995285 (VCV004995285.1).